The following is an entry in ClinVar:

ClinVar aggregate classification (germline): Conflicting classifications of pathogenicity. Review status: criteria provided, conflicting classifications (1 of 4 stars). 8 submissions from 8 submitters: Uncertain significance (5); Likely benign (1). 2 of the submissions do not count toward it. Last evaluated 2026-01-25.

Conditions:
Inborn genetic diseases. Identifiers: MedGen C0950123, MeSH D030342.
Autosomal recessive polycystic kidney disease (ARPKD). Also called: AR polycystic kidney disease. Identifiers: Orphanet 731, Orphanet 8378, MedGen C0085548, MeSH D017044, MONDO:0009889.
PKHD1-related disorder. Also called: PKHD1-related condition.

Allele frequency attached by ClinVar (database versions not stated): gnomAD exomes 0.00007 and 0.00020; ExAC 0.00027; gnomAD 0.00062 and 0.00066; TOPMed 0.00076; 1000 Genomes Project 0.00080; ESP Exome Variant Server 0.00092; 1000 Genomes Project 30x 0.00094.
gnomAD v4.1: 201 of 1,614,048 alleles (0.012%); highest among the groups gnomAD compares: African/African-American, 0.23%; no homozygotes.

Submissions (8):

Labcorp Genetics (formerly Invitae), Labcorp
Classification: Likely benign for Autosomal recessive polycystic kidney disease. Last evaluated: 2026-01-25. Review status: criteria provided, single submitter. Criteria: Invitae Variant Classification Sherloc (09022015). Collection method: clinical testing. Allele origin: germline.

CeGaT Center for Human Genetics Tuebingen
Classification: Uncertain significance. Last evaluated: 2024-11-01. Review status: criteria provided, single submitter. Criteria: CeGaT Center For Human Genetics Tuebingen Variant Classification Criteria Version 2. Collection method: clinical testing. Allele origin: germline. Affected: yes. Observed: 1 variant allele.
Comment: PKHD1: PM2, BP4

Mayo Clinic Laboratories, Mayo Clinic
Classification: Uncertain significance. Last evaluated: 2022-03-14. Review status: criteria provided, single submitter. Criteria: ACMG Guidelines, 2015. Collection method: clinical testing. Allele origin: germline. Observed: 4 variant alleles.
Comment: BP4

Ambry Genetics
Classification: Uncertain significance for Inborn genetic diseases. Last evaluated: 2021-11-12. Review status: criteria provided, single submitter. Criteria: Ambry Variant Classification Scheme 2023. Collection method: clinical testing. Allele origin: germline.

Women's Health and Genetics/Laboratory Corporation of America, LabCorp
Classification: Uncertain significance. Last evaluated: 2017-12-11. Review status: criteria provided, single submitter. Criteria: LabCorp Variant Classification Summary - May 2015. Collection method: clinical testing. Allele origin: germline.
Comment: Variant summary: The c.9553G>A (p.Val3185Ile) in PKHD1 gene is a missense variant involves a non-conserved nucleotide located outside of any known functional domain or repeat. The 4/4 in silico tools used predict benign outcome for this variant, however no functional studies supporting these predictions were published at the time of evaluation. The c. 9553G>A was identified in the control population dataset of gnomAD at a low frequency of 0.00024 (69/276536 chrs tested), predominantly in individuals of African descent (0.0027; 64/24022 chrs). The observed frequencies do not exceed the maximum expected allele frequency for a pathogenic variant of 0.007, suggesting that it is not a common polymorphism. To our knowledge, the variant has not been reported in affected individuals via peer-reviewed reports or cited by reputable databases/clinical laboratories. Taken together, the variant was classified as VUS, until new information becomes available.

Eurofins Ntd Llc (ga)
Classification: Uncertain significance. Last evaluated: 2017-11-22. Review status: criteria provided, single submitter. Criteria: EGL Classification Definitions 2015. Collection method: clinical testing. Allele origin: germline. Observed: 10 variant alleles, 10 heterozygotes.

PreventionGenetics, part of Exact Sciences
Classification: Likely benign for PKHD1-related condition. Last evaluated: 2022-12-12. Review status: no assertion criteria provided. Collection method: clinical testing. Allele origin: germline. Not counted in ClinVar's aggregate classification.
Comment: This variant is classified as likely benign based on ACMG/AMP sequence variant interpretation guidelines (Richards et al. 2015 PMID: 25741868, with internal and published modifications).

Natera, Inc.
Classification: Uncertain significance for Autosomal recessive polycystic kidney disease. Last evaluated: 2018-04-17. Review status: no assertion criteria provided. Collection method: clinical testing. Allele origin: germline. Not counted in ClinVar's aggregate classification.

NM_138694.4(PKHD1):c.9553G>A (p.Val3185Ile)

Gene: PKHD1 (PKHD1 ciliary IPT domain containing fibrocystin/polyductin; minus strand). Cytogenetic location: 6p12.3.
Variant type: single nucleotide variant.
Coding change: c.9553G>A on transcript NM_138694.4 (MANE Select); coding-DNA position 9553, G replaced by A.
Protein change: p.Val3185Ile; replaces valine 3185 with isoleucine.
Molecular consequence: missense variant.
Genome position (GRCh38, 1-based): chr6:51,748,063, C>T on the plus strand (G>A on the coding strand, the complement: PKHD1 is on the minus strand). VCF-style: chr6-51748063-C-T. GRCh37 (hg19) VCF-style: chr6-51612861-C-T.
Other names: p.Val3185Ile; c.9553G>A, p.Val3185Ile (NM_170724.3); short protein forms V3185I.
Identifiers: ClinVar variation 458608 (VCV000458608.38), dbSNP rs145651593, ClinGen allele CA3851373.